The following is an entry in ClinVar:

NM_000038.6(APC):c.136-4789G>A

Gene: APC (APC regulator of WNT signaling pathway; plus strand). Cytogenetic location: 5q22.2.
Variant type: single nucleotide variant.
Coding change: c.136-4789G>A on transcript NM_000038.6 (MANE Select); 4789 bases into the intron before coding-DNA position 136, G replaced by A.
Molecular consequence: intron variant.
Genome position (GRCh38, 1-based): chr5:112,761,537, G>A. VCF-style: chr5-112761537-G-A. GRCh37 (hg19) VCF-style: chr5-112097234-G-A.
Other names: c.136-4789G>A (NM_001354895.2, NM_001127510.3, NM_001354896.2 and 2 more transcripts); c.166-4789G>A (NM_001354897.2, NM_001354902.2, NM_001127511.3); c.61-4789G>A (NM_001354898.2, NM_001354904.2); c.-900-4789G>A (NM_001354906.2); c.-42-4789G>A (NM_001354900.2, NM_001354901.2, NM_001354905.2).
Identifiers: ClinVar variation 82840 (VCV000082840.2), dbSNP rs28578275, ClinGen allele CA004771.
Genomic context (GRCh38, chr5:112,761,537, plus strand): 5'-ATATTTGAAATTAACATTGGATGGGCTTAACAGCAGGCTGAACACTGAATTAGTGAACTA[G>A]TGAGAAGACAGAATTAGTGAACTTGAAAAAAGATCAGTAGAAAATATTCAAACTGAAGCA-3'

ClinVar aggregate classification (germline): other (0 of 4 stars; one submission).

Conditions:
Familial colorectal cancer. Identifiers: MedGen CN280943, MONDO:0023113. Disease mechanism: loss of function.

Allele frequency attached by ClinVar (database versions not stated): TOPMed 0.40109; 1000 Genomes Project 30x 0.42661; 1000 Genomes Project 0.43111; gnomAD 0.38554 and 0.39824.
gnomAD v4.1: 60,715 of 151,986 alleles (40%); highest among the groups gnomAD compares: East Asian, 65%; 14,594 homozygotes.

Submission:

Systems Biology Platform Zhejiang California International NanoSystems Institute
Classification: other for Familial colorectal cancer. Review status: no assertion criteria provided. Collection method: not provided. Allele origin: unknown.
ClinVar note: Converted during submission from cancer to other.